The following is an entry in ClinVar:

ClinVar aggregate classification (germline): Uncertain significance (3 of 4 stars; one submission).

Conditions:
Glanzmann thrombasthenia. Also called: THROMBASTHENIA OF GLANZMANN AND NAEGELI; PLATELET GLYCOPROTEIN IIb-IIIa DEFICIENCY; Thrombasthenia; Glanzmann's thrombasthenia. Identifiers: Orphanet 849, MedGen C0040015, MONDO:0100326.

Submission:

ClinGen Platelet Disorders Variant Curation Expert Panel, ClinGen
Classification: Uncertain significance for Glanzmann thrombasthenia. Last evaluated: 2026-02-05. Review status: reviewed by expert panel. Criteria: ClinGen Platelet ACMG Specifications v2-1. Collection method: curation. Allele origin: germline. Inheritance: Autosomal recessive inheritance.
Comment: Lab studies demonstrated mildly prolong PT, normal APPT and TT. Platelet aggregation demonstrated absent aggregation with ADP and collagen and was reduced with ristocetin. Flow cytometry showed an absence of αIIbβ3 integrin and normal levels of GPIb and GPIX receptors which is consistent with. diagnosis of GT (PP4_strong). The Gln158Leu variant is absent from gnomAD v4.1 (PM2_Supporting). In summary, this variant meets the criteria to be classified as uncertain significance for autosomal recessive Glanzmann Thrombasthenia based on the ACMG/AMP criteria applied, as specified by the ClinGen PD VCEP: PM2_supporting, PP4_Strong (VCEP specifications version 2.1).

NM_000212.3(ITGB3):c.473A>T (p.Gln158Leu)

Gene: ITGB3 (integrin subunit beta 3; plus strand). Cytogenetic location: 17q21.32.
Variant type: single nucleotide variant.
Coding change: c.473A>T on transcript NM_000212.3 (MANE Select); coding-DNA position 473, A replaced by T.
Protein change: p.Gln158Leu; replaces glutamine 158 with leucine.
Molecular consequence: missense variant.
Genome position (GRCh38, 1-based): chr17:47,284,554, A>T. VCF-style: chr17-47284554-A-T. GRCh37 (hg19) VCF-style: chr17-45361920-A-T.
Other names: NM_000212.3:c.473A>T; short protein forms Q158L.
Identifiers: ClinVar variation 2506410 (VCV002506410.2), dbSNP rs748901429, ClinGen allele CA400022111.